The following is an entry in ClinVar:

NM_000179.3(MSH6):c.3562del (p.Ser1188fs)

Gene: MSH6 (mutS homolog 6; plus strand). Cytogenetic location: 2p16.3.
Variant type: Deletion.
Coding change: c.3562del on transcript NM_000179.3 (MANE Select); coding-DNA position 3562, one base deleted (A; older notation c.3562delA).
Protein change: p.Ser1188fs; shifts the reading frame from serine 1188.
Molecular consequence: frameshift variant.
Genome position (GRCh38, 1-based): chr2:47,805,623, A deleted; the last of 3 consecutive A bases (chr2:47,805,621-47,805,623); deleting any one gives the same sequence. VCF-style (leftmost placement, unchanged base first): chr2-47805620-GA-G. GRCh37 (hg19) VCF-style: chr2-48032759-GA-G.
Other names: c.3172del, p.Ser1058fs (NM_001281492.2); c.2656del, p.Ser886fs (NM_001281493.2, NM_001281494.2); c.3562delA (NM_000179.2); short protein forms S1188fs, S886fs, S1058fs.
Identifiers: ClinVar variation 479959 (VCV000479959.14), dbSNP rs1553332622, ClinGen allele CA658655723.

ClinVar aggregate classification (germline): Pathogenic. Review status: criteria provided, multiple submitters, no conflicts (2 of 4 stars). 2 submissions from 2 submitters: Pathogenic (2). Last evaluated 2020-10-01.

Conditions:
Hereditary nonpolyposis colorectal neoplasms. Identifiers: MedGen C0009405, MeSH D003123.
Hereditary cancer-predisposing syndrome. Also called: Hereditary Cancer Syndrome; Neoplastic Syndromes, Hereditary; Tumor predisposition; Hereditary neoplastic syndrome. Identifiers: Orphanet 140162, MedGen C0027672, MeSH D009386, MONDO:0015356.

Submissions (2):

Labcorp Genetics (formerly Invitae), Labcorp
Classification: Pathogenic for Hereditary nonpolyposis colorectal neoplasms. Last evaluated: 2020-10-01. Review status: criteria provided, single submitter. Criteria: Invitae Variant Classification Sherloc (09022015). Collection method: clinical testing. Allele origin: germline.
Comment: Algorithms developed to predict the effect of sequence changes on RNA splicing suggest that this variant may create or strengthen a splice site, but this prediction has not been confirmed by published transcriptional studies. For these reasons, this variant has been classified as Pathogenic. Loss-of-function variants in MSH6 are known to be pathogenic (PMID: 18269114, 24362816). This variant has not been reported in the literature in individuals with MSH6-related disease. ClinVar contains an entry for this variant (Variation ID: 479959). This variant is not present in population databases (ExAC no frequency). This sequence change creates a premature translational stop signal (p.Ser1188Valfs*7) in the MSH6 gene. It is expected to result in an absent or disrupted protein product.

Ambry Genetics
Classification: Pathogenic for Hereditary cancer-predisposing syndrome. Last evaluated: 2020-08-19. Review status: criteria provided, single submitter. Criteria: Ambry Variant Classification Scheme 2023. Collection method: clinical testing. Allele origin: germline.
Comment: The c.3562delA pathogenic mutation, located in coding exon 7 of the MSH6 gene, results from a deletion of one nucleotide at nucleotide position 3562, causing a translational frameshift with a predicted alternate stop codon (p.S1188Vfs*7). This alteration is expected to result in loss of function by premature protein truncation or nonsense-mediated mRNA decay. As such, this alteration is interpreted as a disease-causing mutation.

Literature cited by the submitters: PubMed 18269114 (cited by Labcorp Genetics (formerly Invitae), Labcorp); PubMed 24362816 (cited by Labcorp Genetics (formerly Invitae), Labcorp).